The following is an entry in ClinVar:

ClinVar aggregate classification (germline): Uncertain significance. Review status: criteria provided, multiple submitters, no conflicts (2 of 4 stars). 6 submissions from 6 submitters: Uncertain significance (5). 1 of the submissions does not count toward it. Last evaluated 2026-02-26.

Conditions:
VPS13B-related disorder. Also called: VPS13B-related condition.
Inborn genetic diseases. Identifiers: MedGen C0950123, MeSH D030342.
Cohen syndrome (COH1). Also called: Cutis verticis gyrata, retinitis pigmentosa, and sensorineural deafness; PEPPER SYNDROME. Identifiers: Orphanet 193, MedGen C0265223, MONDO:0008999, OMIM 216550.

Allele frequency attached by ClinVar (database versions not stated): TOPMed 0.00002; gnomAD 0.00003; gnomAD exomes 0.00003 and 0.00004.
gnomAD v4.1: 60 of 1,613,984 alleles (0.0037%); highest among the groups gnomAD compares: Non-Finnish European, 0.0046%; no homozygotes.

Submissions (6):

GeneDx
Classification: Uncertain significance. Last evaluated: 2026-02-26. Review status: criteria provided, single submitter. Criteria: GeneDx Variant Classification Process June 2021. Collection method: clinical testing. Allele origin: germline.
Comment: Not observed at significant frequency in large population cohorts (gnomAD); In silico analysis suggests that this missense variant does not alter protein structure/function; Has not been previously published as pathogenic or benign to our knowledge

PreventionGenetics, part of Exact Sciences
Classification: Uncertain significance for VPS13B-related condition. Last evaluated: 2026-01-06. Review status: criteria provided, single submitter. Criteria: ACMG Guidelines, 2015. Collection method: clinical testing. Allele origin: germline.
Comment: The VPS13B c.3962G>A variant is predicted to result in the amino acid substitution p.Arg1321His. To our knowledge, this variant has not been reported in the literature. This variant is reported in 7 alleles out of 251460 total alleles in gnomAD. At this time, the clinical significance of this variant is uncertain due to the absence of conclusive functional and genetic evidence.

Labcorp Genetics (formerly Invitae), Labcorp
Classification: Uncertain significance for Cohen syndrome. Last evaluated: 2025-09-22. Review status: criteria provided, single submitter. Criteria: Invitae Variant Classification Sherloc (09022015). Collection method: clinical testing. Allele origin: germline.
Comment: This sequence change replaces arginine, which is basic and polar, with histidine, which is basic and polar, at codon 1321 of the VPS13B protein (p.Arg1321His). This variant is present in population databases (rs200229383, gnomAD 0.004%). This missense change has been observed in individual(s) with clinical features of Cohen syndrome (internal data). In at least one individual the data is consistent with being in trans (on the opposite chromosome) from a pathogenic variant. ClinVar contains an entry for this variant (Variation ID: 911258). Invitae Evidence Modeling of protein sequence and biophysical properties (such as structural, functional, and spatial information, amino acid conservation, physicochemical variation, residue mobility, and thermodynamic stability) indicates that this missense variant is expected to disrupt VPS13B protein function with a positive predictive value of 80%. In summary, the available evidence is currently insufficient to determine the role of this variant in disease. Therefore, it has been classified as a Variant of Uncertain Significance.

Ambry Genetics
Classification: Uncertain significance for Inborn genetic diseases. Last evaluated: 2022-07-26. Review status: criteria provided, single submitter. Criteria: Ambry Variant Classification Scheme 2023. Collection method: clinical testing. Allele origin: germline.

Illumina Laboratory Services, Illumina
Classification: Uncertain significance for Cohen syndrome. Last evaluated: 2018-01-13. Review status: criteria provided, single submitter. Criteria: ICSL Variant Classification Criteria 13 December 2019. Collection method: clinical testing. Allele origin: germline.

Natera, Inc.
Classification: Uncertain significance for Cohen syndrome. Last evaluated: 2020-05-29. Review status: no assertion criteria provided. Collection method: clinical testing. Allele origin: germline. Not counted in ClinVar's aggregate classification.

NM_152564.5(VPS13B):c.3962G>A (p.Arg1321His)

Gene: VPS13B (vacuolar protein sorting 13 homolog B; plus strand). Cytogenetic location: 8q22.2.
Variant type: single nucleotide variant.
Coding change: c.3962G>A on transcript NM_152564.5 (MANE Select); coding-DNA position 3962, G replaced by A.
Protein change: p.Arg1321His; replaces arginine 1321 with histidine.
Molecular consequence: missense variant.
Genome position (GRCh38, 1-based): chr8:99,501,778, G>A. VCF-style: chr8-99501778-G-A. GRCh37 (hg19) VCF-style: chr8-100514006-G-A.
Other names: c.3962G>A, p.Arg1321His (NM_017890.5); c.3962G>A (NM_152564.4, NM_017890.3); short protein forms R1321H.
Identifiers: ClinVar variation 911258 (VCV000911258.16), dbSNP rs200229383, ClinGen allele CA182981238.